The following is an entry in ClinVar:

NM_001048174.2(MUTYH):c.164C>G (p.Ser55Ter)

Gene: MUTYH (mutY DNA glycosylase; minus strand). Cytogenetic location: 1p34.1.
Variant type: single nucleotide variant.
Coding change: c.164C>G on transcript NM_001048174.2 (MANE Select); coding-DNA position 164, C replaced by G.
Protein change: p.Ser55Ter; replaces serine 55 with a stop codon.
Molecular consequence: nonsense. On other transcripts: 5 prime UTR variant (1), non-coding transcript variant (2), intron variant (3).
Genome position (GRCh38, 1-based): chr1:45,333,513, G>C on the plus strand (C>G on the coding strand, the complement: MUTYH is on the minus strand). VCF-style: chr1-45333513-G-C. GRCh37 (hg19) VCF-style: chr1-45799185-G-C.
Other names: c.164C>G, p.Ser55Ter (NM_001048171.2, NM_001048173.2, NM_001293195.2); c.167C>G, p.Ser56Ter (NM_001048172.2); c.248C>G, p.Ser83Ter (NM_001128425.2); c.209C>G, p.Ser70Ter (NM_001293190.2); c.197C>G, p.Ser66Ter (NM_001293191.2); c.-108C>G (NM_001350650.2); c.239C>G, p.Ser80Ter (NM_012222.3); c.-92-16C>G (NM_001350651.2); and 1 more; short protein forms S83*, S69*, S56*, S80*, S66*, S70*, S55*.
Identifiers: ClinVar variation 485907 (VCV000485907.16), dbSNP rs370124822, ClinGen allele CA057154.
Genomic context (GRCh38, chr1:45,333,513, plus strand): 5'-CAGCTTAGCAGGCTCCCTCGGAAGGCTGTGACTTCAGCTACGTCTCTGAATAGATGGTAT[G>C]AGGAGACAGAGGCCTGCAATACCACCTCTTCCGGCTGCCTGGCCAGGCCTGCTGGGGCCC-3'

ClinVar aggregate classification (germline): Pathogenic/Likely pathogenic. Review status: criteria provided, multiple submitters, no conflicts (2 of 4 stars). 5 submissions from 5 submitters: Pathogenic (2); Likely pathogenic (2). 1 of the submissions does not count toward it. Last evaluated 2024-06-25.

Conditions:
Hereditary cancer-predisposing syndrome. Also called: Hereditary neoplastic syndrome; Hereditary Cancer Syndrome; Neoplastic Syndromes, Hereditary; Tumor predisposition. Identifiers: Orphanet 140162, MedGen C0027672, MeSH D009386, MONDO:0015356.
Familial adenomatous polyposis 2. Also called: MYH-associated polyposis; COLORECTAL ADENOMATOUS POLYPOSIS, AUTOSOMAL RECESSIVE; ADENOMAS, MULTIPLE COLORECTAL, AUTOSOMAL RECESSIVE; MUTYH-related attenuated familial adenomatous polyposis; Adenomas, multiple colorectal; FAP type 2. Identifiers: Orphanet 220460, Orphanet 247798, MedGen C3272841, MONDO:0012041, OMIM 608456.

Allele frequency attached by ClinVar (database versions not stated): TOPMed below 0.00001; ExAC 0.00001; gnomAD 0.00001; ESP Exome Variant Server 0.00008.
gnomAD v4.1: 1 of 1,614,086 alleles (0.000062%); highest among the groups gnomAD compares: Non-Finnish European, 0.000085%; no homozygotes.

Submissions (5):

Ambry Genetics
Classification: Pathogenic for Hereditary cancer-predisposing syndrome. Last evaluated: 2024-06-25. Review status: criteria provided, single submitter. Criteria: Ambry Variant Classification Scheme 2023. Collection method: clinical testing. Allele origin: germline.
Comment: The p.S83* pathogenic mutation (also known as c.248C>G), located in coding exon 3 of the MUTYH gene, results from a C to G substitution at nucleotide position 248. This changes the amino acid from a serine to a stop codon within coding exon 3. This variant is considered to be rare based on population cohorts in the Genome Aggregation Database (gnomAD). This alteration is expected to result in loss of function by premature protein truncation or nonsense-mediated mRNA decay. As such, this alteration is interpreted as a disease-causing mutation.

Labcorp Genetics (formerly Invitae), Labcorp
Classification: Pathogenic for Familial adenomatous polyposis 2. Last evaluated: 2023-09-29. Review status: criteria provided, single submitter. Criteria: Invitae Variant Classification Sherloc (09022015). Collection method: clinical testing. Allele origin: germline.
Comment: This variant has not been reported in the literature in individuals affected with MUTYH-related conditions. This sequence change creates a premature translational stop signal (p.Ser83*) in the MUTYH gene. It is expected to result in an absent or disrupted protein product. Loss-of-function variants in MUTYH are known to be pathogenic (PMID: 18534194, 20663686). This variant is present in population databases (rs370124822, gnomAD 0.0009%). ClinVar contains an entry for this variant (Variation ID: 485907). For these reasons, this variant has been classified as Pathogenic.

Baylor Genetics
Classification: Likely pathogenic for Familial adenomatous polyposis 2. Last evaluated: 2022-11-16. Review status: criteria provided, single submitter. Criteria: ACMG Guidelines, 2015. Collection method: clinical testing. Allele origin: unknown.

GeneDx
Classification: Likely pathogenic. Last evaluated: 2018-04-10. Review status: criteria provided, single submitter. Criteria: GeneDx Variant Classification (06012015). Collection method: clinical testing. Allele origin: germline. Affected: yes.
Comment: This variant is denoted MUTYH c.248C>G at the cDNA level and p.Ser83Ter (S83X) at the protein level. The substitution creates a nonsense variant, which changes a Serine to a premature stop codon (TCA>TGA), and is predicted to cause loss of normal protein function through either protein truncation or nonsense-mediated mRNA decay. Although this variant has not, to our knowledge, been reported in the literature, it is considered likely pathogenic.

Counsyl
Classification: Likely pathogenic for Familial adenomatous polyposis 2. Last evaluated: 2016-12-12. Review status: no assertion criteria provided. Collection method: clinical testing. Allele origin: unknown. Not counted in ClinVar's aggregate classification.

Literature cited by the submitters: PubMed 18534194 (cited by Labcorp Genetics (formerly Invitae), Labcorp); PubMed 20663686 (cited by Labcorp Genetics (formerly Invitae), Labcorp).